The following is an entry in ClinVar:

ClinVar aggregate classification (germline): Pathogenic (1 of 4 stars; one submission).

Submission:

Labcorp Genetics (formerly Invitae), Labcorp
Classification: Pathogenic. Last evaluated: 2023-10-14. Review status: criteria provided, single submitter. Criteria: Invitae Variant Classification Sherloc (09022015). Collection method: clinical testing. Allele origin: germline.
Comment: This sequence change creates a premature translational stop signal (p.Trp227*) in the FECH gene. It is expected to result in an absent or disrupted protein product. Loss-of-function variants in FECH are known to be pathogenic (PMID: 20105171, 23016163, 23364466). This variant is not present in population databases (gnomAD no frequency). This premature translational stop signal has been observed in individual(s) with erythropoietic protoporphyria (PMID: 23364466). ClinVar contains an entry for this variant (Variation ID: 1389638). For these reasons, this variant has been classified as Pathogenic.

Literature cited by the submitters: PubMed 20105171; PubMed 23016163; PubMed 23364466.

NM_000140.5(FECH):c.680G>A (p.Trp227Ter)

Gene: FECH (ferrochelatase; minus strand). Cytogenetic location: 18q21.31.
Variant type: single nucleotide variant.
Coding change: c.680G>A on transcript NM_000140.5 (MANE Select); coding-DNA position 680, G replaced by A.
Protein change: p.Trp227Ter; replaces tryptophan 227 with a stop codon.
Molecular consequence: nonsense.
Genome position (GRCh38, 1-based): chr18:57,562,899, C>T on the plus strand (G>A on the coding strand, the complement: FECH is on the minus strand). VCF-style: chr18-57562899-C-T. GRCh37 (hg19) VCF-style: chr18-55230131-C-T.
Other names: c.698G>A, p.Trp233Ter (NM_001012515.4); c.680G>A, p.Trp227Ter (NM_001371094.1, NM_001374778.1); c.464G>A, p.Trp155Ter (NM_001371095.1); short protein forms W155*, W233*, W227*.
Identifiers: ClinVar variation 1389638 (VCV001389638.8), dbSNP rs2122284554, ClinGen allele CA402535876.